The following is an entry in ClinVar:

ClinVar aggregate classification (germline): Uncertain significance. Review status: criteria provided, multiple submitters, no conflicts (2 of 4 stars). 2 submissions from 2 submitters: Uncertain significance (2). Last evaluated 2025-06-12.

Conditions:
Idiopathic generalized epilepsy. Also called: EIG; Generalised epilepsy. Identifiers: MedGen C0270850, MONDO:0005579, OMIM 600669.
Hyperaldosteronism, familial, type IV (HALD4). Also called: FH IV; ALDOSTERONISM, PRIMARY, AND HYPERTENSION. Identifiers: Orphanet 642671, MedGen C4310756, MONDO:0014875, OMIM 617027.

Allele frequency attached by ClinVar (database versions not stated): gnomAD exomes 0.00003 and 0.00002; TOPMed below 0.00001; ExAC 0.00001.
gnomAD v4.1: 43 of 1,612,186 alleles (0.0027%); highest among the groups gnomAD compares: Non-Finnish European, 0.0034%; no homozygotes.

Submissions (2):

Labcorp Genetics (formerly Invitae), Labcorp
Classification: Uncertain significance for Idiopathic generalized epilepsy; Hyperaldosteronism, familial, type IV. Last evaluated: 2025-06-12. Review status: criteria provided, single submitter. Criteria: Invitae Variant Classification Sherloc (09022015). Collection method: clinical testing. Allele origin: germline.
Comment: This sequence change replaces isoleucine, which is neutral and non-polar, with valine, which is neutral and non-polar, at codon 1318 of the CACNA1H protein (p.Ile1318Val). This variant is present in population databases (rs775456399, gnomAD 0.006%). This variant has not been reported in the literature in individuals affected with CACNA1H-related conditions. ClinVar contains an entry for this variant (Variation ID: 1392990). Invitae Evidence Modeling of protein sequence and biophysical properties (such as structural, functional, and spatial information, amino acid conservation, physicochemical variation, residue mobility, and thermodynamic stability) indicates that this missense variant is expected to disrupt CACNA1H protein function with a positive predictive value of 80%. In summary, the available evidence is currently insufficient to determine the role of this variant in disease. Therefore, it has been classified as a Variant of Uncertain Significance.

ARUP Laboratories, Molecular Genetics and Genomics, ARUP Laboratories
Classification: Uncertain significance. Last evaluated: 2023-09-28. Review status: criteria provided, single submitter. Criteria: ARUP Molecular Germline Variant Investigation Process 2024. Collection method: clinical testing. Allele origin: germline.

NM_021098.3(CACNA1H):c.3952A>G (p.Ile1318Val)

Gene: CACNA1H (calcium voltage-gated channel subunit alpha1 H; plus strand). Cytogenetic location: 16p13.3.
Variant type: single nucleotide variant.
Coding change: c.3952A>G on transcript NM_021098.3 (MANE Select); coding-DNA position 3952, A replaced by G.
Protein change: p.Ile1318Val; replaces isoleucine 1318 with valine.
Molecular consequence: missense variant.
Genome position (GRCh38, 1-based): chr16:1,210,476, A>G. VCF-style: chr16-1210476-A-G. GRCh37 (hg19) VCF-style: chr16-1260476-A-G.
Other names: c.3952A>G, p.Ile1318Val (NM_001005407.2); short protein forms I1318V.
Identifiers: ClinVar variation 1392990 (VCV001392990.9), dbSNP rs775456399, ClinGen allele CA7801028.